The following is an entry in ClinVar:

NM_000553.6(WRN):c.97G>A (p.Ala33Thr)

Gene: WRN (WRN RecQ like helicase; plus strand). Cytogenetic location: 8p12.
Variant type: single nucleotide variant.
Coding change: c.97G>A on transcript NM_000553.6 (MANE Select); coding-DNA position 97, G replaced by A.
Protein change: p.Ala33Thr; replaces alanine 33 with threonine.
Molecular consequence: missense variant.
Genome position (GRCh38, 1-based): chr8:31,059,153, G>A. VCF-style: chr8-31059153-G-A. GRCh37 (hg19) VCF-style: chr8-30916669-G-A.
Other names: short protein forms A33T.
Identifiers: ClinVar variation 1493280 (VCV001493280.7), dbSNP rs2130004641, ClinGen allele CA370912311.
Genomic context (GRCh38, chr8:31,059,153, plus strand): 5'-AGTGAACATTTGTTATTTGATGTGAACTTTGTGCCTGTTTTGAAATTTACTAAACTCAAG[G>A]CATGTGTTCGGAAGAGTGTTTTTGAAGATGACCTCCCCTTCTTAGAATTCACTGGATCCA-3'
Protein context (NP_000544.2, residues 23-43): NKRCAVEERK[Ala33Thr]CVRKSVFEDD

ClinVar aggregate classification (germline): Uncertain significance. Review status: criteria provided, multiple submitters, no conflicts (2 of 4 stars). 2 submissions from 2 submitters: Uncertain significance (2). Last evaluated 2025-11-19.

Conditions:
Werner syndrome (WRN). Identifiers: Orphanet 902, MedGen C0043119, MONDO:0010196, OMIM 277700.

Allele frequency attached by ClinVar (database versions not stated): gnomAD exomes below 0.00001.

Submissions (2):

Women's Health and Genetics/Laboratory Corporation of America, LabCorp
Classification: Uncertain significance. Last evaluated: 2025-11-19. Review status: criteria provided, single submitter. Criteria: LabCorp Variant Classification Summary - May 2015. Collection method: clinical testing. Allele origin: germline.
Comment: Variant summary: WRN c.97G>A (p.Ala33Thr) results in a non-conservative amino acid change in the encoded protein sequence. Algorithms developed to predict the effect of missense changes on protein structure and function are either unavailable or do not agree on the potential impact of this missense change. Computational tools predict a significant impact on normal splicing: Two predict the variant abolishes a 3' acceptor site. However, these predictions have yet to be confirmed by functional studies. The variant was absent in 251322 control chromosomes (gnomAD). The available data on variant occurrences in the general population are insufficient to allow any conclusion about variant significance. To our knowledge, no occurrence of c.97G>A in individuals affected with WRN-related conditions and no experimental evidence demonstrating its impact on protein function have been reported. ClinVar contains an entry for this variant (Variation ID: 1493280). Based on the evidence outlined above, the variant was classified as uncertain significance.

Labcorp Genetics (formerly Invitae), Labcorp
Classification: Uncertain significance for Werner syndrome. Last evaluated: 2023-06-30. Review status: criteria provided, single submitter. Criteria: Invitae Variant Classification Sherloc (09022015). Collection method: clinical testing. Allele origin: germline.
Comment: This sequence change replaces alanine, which is neutral and non-polar, with threonine, which is neutral and polar, at codon 33 of the WRN protein (p.Ala33Thr). This variant is not present in population databases (gnomAD no frequency). This variant has not been reported in the literature in individuals affected with WRN-related conditions. ClinVar contains an entry for this variant (Variation ID: 1493280). Algorithms developed to predict the effect of missense changes on protein structure and function output the following: SIFT: "Not Available"; PolyPhen-2: "Benign"; Align-GVGD: "Not Available". The threonine amino acid residue is found in multiple mammalian species, which suggests that this missense change does not adversely affect protein function. Algorithms developed to predict the effect of sequence changes on RNA splicing suggest that this variant may disrupt the consensus splice site. In summary, the available evidence is currently insufficient to determine the role of this variant in disease. Therefore, it has been classified as a Variant of Uncertain Significance.